The following is an entry in ClinVar:

NM_001123385.2(BCOR):c.5234A>C (p.His1745Pro)

Gene: BCOR (BCL6 corepressor; minus strand). Cytogenetic location: Xp11.4.
Variant type: single nucleotide variant.
Coding change: c.5234A>C on transcript NM_001123385.2 (MANE Select); coding-DNA position 5234, A replaced by C.
Protein change: p.His1745Pro; replaces histidine 1745 with proline.
Molecular consequence: missense variant.
Genome position (GRCh38, 1-based): chrX:40,052,143, T>G on the plus strand (A>C on the coding strand, the complement: BCOR is on the minus strand). VCF-style: chrX-40052143-T-G. GRCh37 (hg19) VCF-style: chrX-39911396-T-G.
Other names: c.5132A>C, p.His1711Pro (NM_001123383.2, NM_017745.6); c.5078A>C, p.His1693Pro (NM_001123384.2); short protein forms H1711P, H1745P, H1693P.
Identifiers: ClinVar variation 133691 (VCV000133691.8), dbSNP rs587778100, ClinGen allele CA157353.

ClinVar aggregate classification (germline): Conflicting classifications of pathogenicity. Review status: criteria provided, conflicting classifications (1 of 4 stars). 3 submissions from 3 submitters: Uncertain significance (1); Likely benign (1). 1 of the submissions does not count toward it. Last evaluated 2025-11-19.

Conditions:
Inborn genetic diseases. Identifiers: MedGen C0950123, MeSH D030342.
Oculofaciocardiodental syndrome (MCOPS2). Identifiers: Orphanet 2712, MedGen C1846265, MONDO:0010261, OMIM 300166.

Allele frequency attached by ClinVar (database versions not stated): gnomAD 0.00002; TOPMed 0.00002; gnomAD exomes 0.00005 and 0.00009; ExAC 0.00014; 1000 Genomes Project 0.00980.
gnomAD v4.1: 100 of 1,200,230 alleles (0.0083%); highest among the groups gnomAD compares: Non-Finnish European, 0.011%; no homozygotes.

Submissions (3):

Ambry Genetics
Classification: Likely benign for Inborn genetic diseases. Last evaluated: 2025-11-19. Review status: criteria provided, single submitter. Criteria: Ambry Variant Classification Scheme 2023. Collection method: clinical testing. Allele origin: germline.

Labcorp Genetics (formerly Invitae), Labcorp
Classification: Uncertain significance for Oculofaciocardiodental syndrome. Last evaluated: 2022-08-15. Review status: criteria provided, single submitter. Criteria: Invitae Variant Classification Sherloc (09022015). Collection method: clinical testing. Allele origin: germline.
Comment: This sequence change replaces histidine, which is basic and polar, with proline, which is neutral and non-polar, at codon 1711 of the BCOR protein (p.His1711Pro). The frequency data for this variant in the population databases is considered unreliable, as metrics indicate poor data quality at this position in the gnomAD database. This variant has not been reported in the literature in individuals affected with BCOR-related conditions. ClinVar contains an entry for this variant (Variation ID: 133691). Algorithms developed to predict the effect of missense changes on protein structure and function (SIFT, PolyPhen-2, Align-GVGD) all suggest that this variant is likely to be disruptive. In summary, the available evidence is currently insufficient to determine the role of this variant in disease. Therefore, it has been classified as a Variant of Uncertain Significance.

ITMI
No classification provided. Condition: AllHighlyPenetrant. Last evaluated: 2013-09-19. Review status: no classification provided. Collection method: reference population. Allele origin: germline. Not counted in ClinVar's aggregate classification.
Comment: Please see associated publication for description of ethnicities

Literature cited by the submitters: PubMed 24728327 (cited by ITMI).